The following is an entry in ClinVar:

NC_012920.1(MT-TF):m.634T>C

Gene: MT-TF (mitochondrially encoded tRNA phenylalanine; plus strand).
Variant type: single nucleotide variant.
Genome position: chrM-634-T-C.
Identifiers: ClinVar variation 689828 (VCV000689828.1), dbSNP rs1603218470, ClinGen allele CA913175685.

ClinVar aggregate classification (germline): Benign (1 of 4 stars; one submission).

Conditions:
MELAS syndrome (MELAS). Also called: Juvenile myopathy, encephalopathy, lactic acidosis, stroke. Identifiers: Orphanet 550, MedGen C0162671, MONDO:0010789, OMIM 540000.

Submission:

Wong Mito Lab, Molecular and Human Genetics, Baylor College of Medicine
Classification: Benign for MELAS syndrome. Last evaluated: 2019-07-12. Review status: criteria provided, single submitter. Criteria: Modified ACMG Guidelines (Unpublished). Collection method: clinical testing. Allele origin: germline.
Comment: The NC_012920.1:m.634T>C variant in MT-TF gene is interpreted to be a Benign variant based on the modified ACMG guidelines (unpublished). This variant meets the following evidence codes reported in the guidelines: BS1, BS4, BP4

Literature cited by the submitters: PubMed 31965079.